The following is an entry in ClinVar:

NM_001161352.2(KCNMA1):c.31_45dup (p.Gly15_Gly16insSerSerGlyGlyGly)

Gene: KCNMA1 (potassium calcium-activated channel subfamily M alpha 1; minus strand). Cytogenetic location: 10q22.3.
Variant type: Duplication.
Coding change: c.31_45dup on transcript NM_001161352.2 (MANE Select); coding-DNA positions 31 to 45, 15 bases duplicated (AGCAGCGGCGGCGGC).
Protein change: p.Gly15_Gly16insSerSerGlyGlyGly.
Molecular consequence: inframe insertion. On other transcripts: inframe indel (1).
Genome position (GRCh38, 1-based): chr10:77,637,598-77,637,612, GCCGCCGCCGCTGCT duplicated on the plus strand (AGCAGCGGCGGCGGC on the coding strand, the reverse complement: KCNMA1 is on the minus strand); duplicating any 15 consecutive bases within chr10:77,637,598-77,637,623 gives the same sequence; the c. name uses the placement nearest the transcript's 3' end. VCF-style (leftmost placement, unchanged base first): chr10-77637597-C-CGCCGCCGCCGCTGCT. GRCh37 (hg19) VCF-style: chr10-79397355-C-CGCCGCCGCCGCTGCT.
Other names: c.31_45dup, p.Gly15_Gly16insSerSerGlyGlyGly (NM_001014797.3, NM_001161353.2, NM_001271518.2 and 12 more transcripts); c.20_34dup, p.Gly15_Gly16insSerSerGlyGlyGly (NM_001410940.1); c.31_45dup (NM_002247.3).
Identifiers: ClinVar variation 2180991 (VCV002180991.7), dbSNP rs752334052, ClinGen allele CA5568820.
Genomic context (GRCh38, chr10:77,637,597, plus strand): 5'-GGCTGAGATGGTTCGCGTGGATATTGCTACTCATTCTAAGACTGCTGCCTCCGCCGCCGC[C>CGCCGCCGCCGCTGCT]GCCGCCGCCGCTGCTGCCGCCGCCGCCGCCGCCACCATTTGCCATAGCTAGCAACGGGCA-3'

ClinVar aggregate classification (germline): Uncertain significance. Review status: criteria provided, multiple submitters, no conflicts (2 of 4 stars). 2 submissions from 2 submitters: Uncertain significance (2). Last evaluated 2025-08-20.

Conditions:
Generalized epilepsy-paroxysmal dyskinesia syndrome (PNKD3). Also called: Generalized epilepsy and paroxysmal dyskinesia; Paroxysmal nonkinesigenic dyskinesia, 3, with or without generalized epilepsy. Identifiers: Orphanet 79137, MedGen C5574945, MONDO:0012276, OMIM 609446.

Submissions (2):

Labcorp Genetics (formerly Invitae), Labcorp
Classification: Uncertain significance for Generalized epilepsy-paroxysmal dyskinesia syndrome. Last evaluated: 2025-08-20. Review status: criteria provided, single submitter. Criteria: Invitae Variant Classification Sherloc (09022015). Collection method: clinical testing. Allele origin: germline.
Comment: This variant, c.31_45dup, results in the insertion of 5 amino acid(s) of the KCNMA1 protein (p.Ser11_Gly15dup), but otherwise preserves the integrity of the reading frame. The frequency data for this variant in the population databases is considered unreliable, as metrics indicate poor data quality at this position in the gnomAD database. This variant has not been reported in the literature in individuals affected with KCNMA1-related conditions. ClinVar contains an entry for this variant (Variation ID: 2180991). Experimental studies and prediction algorithms are not available or were not evaluated, and the functional significance of this variant is currently unknown. In summary, the available evidence is currently insufficient to determine the role of this variant in disease. Therefore, it has been classified as a Variant of Uncertain Significance.

Revvity Omics, Revvity
Classification: Uncertain significance. Last evaluated: 2020-03-31. Review status: criteria provided, single submitter. Criteria: ACMG Guidelines, 2015. Collection method: clinical testing. Allele origin: germline.